The following is an entry in ClinVar:

ClinVar aggregate classification (germline): Pathogenic. Review status: reviewed by expert panel (3 of 4 stars). 5 submissions from 5 submitters: Pathogenic (1). 4 of the submissions do not count toward it. Last evaluated 2016-10-18.

Conditions:
Hereditary cancer-predisposing syndrome. Also called: Tumor predisposition; Neoplastic Syndromes, Hereditary; Hereditary Cancer Syndrome; Hereditary neoplastic syndrome. Identifiers: Orphanet 140162, MedGen C0027672, MeSH D009386, MONDO:0015356.
Hereditary breast ovarian cancer syndrome. Also called: Hereditary breast and ovarian cancer syndrome (HBOC); Hereditary breast and ovarian cancer syndrome; Hereditary breast and ovarian cancer; Hereditary breast and/or ovarian cancer syndrome; Breast and ovarian cancer; BRCA1- and BRCA2-Associated Hereditary Breast and Ovarian Cancer. Identifiers: Orphanet 145, MedGen C0677776, MeSH D061325, MONDO:0003582. Disease mechanism: loss of function.
Breast-ovarian cancer, familial, susceptibility to, 1 (BROVCA1). Also called: OVARIAN CANCER, SUSCEPTIBILITY TO; BRCA1 Hereditary Breast and Ovarian Cancer. Identifiers: Orphanet 145, MedGen C2676676, MONDO:0011450, OMIM 604370. Disease mechanism: loss of function.

Submissions (5):

Evidence-based Network for the Interpretation of Germline Mutant Alleles (ENIGMA)
Classification: Pathogenic for Breast-ovarian cancer, familial, susceptibility to, 1. Last evaluated: 2016-10-18. Review status: reviewed by expert panel. Criteria: ENIGMA BRCA1/2 Classification Criteria (2015). Collection method: curation. Allele origin: germline.
Comment: Variant allele predicted to encode a truncated non-functional protein.

Labcorp Genetics (formerly Invitae), Labcorp
Classification: Pathogenic for Hereditary breast ovarian cancer syndrome. Last evaluated: 2024-12-11. Review status: criteria provided, single submitter. Criteria: Invitae Variant Classification Sherloc (09022015). Collection method: clinical testing. Allele origin: germline. Not counted in ClinVar's aggregate classification.
Comment: This sequence change creates a premature translational stop signal (p.Pro985Serfs*7) in the BRCA1 gene. It is expected to result in an absent or disrupted protein product. Loss-of-function variants in BRCA1 are known to be pathogenic (PMID: 20104584). This variant is not present in population databases (gnomAD no frequency). This premature translational stop signal has been observed in individual(s) with breast cancer (PMID: 11802209). This variant is also known as 3071insT. ClinVar contains an entry for this variant (Variation ID: 54730). For these reasons, this variant has been classified as Pathogenic.

Clinical Genetics Laboratory, Skane University Hospital Lund
Classification: Pathogenic. Last evaluated: 2022-05-27. Review status: criteria provided, single submitter. Criteria: ACMG Guidelines, 2015. Collection method: clinical testing. Allele origin: germline. Affected: yes. Not counted in ClinVar's aggregate classification.

Ambry Genetics
Classification: Pathogenic for Hereditary cancer-predisposing syndrome. Last evaluated: 2016-08-05. Review status: criteria provided, single submitter. Criteria: Ambry Variant Classification Scheme 2023. Collection method: clinical testing. Allele origin: germline. Not counted in ClinVar's aggregate classification.
Comment: The c.2952dupT pathogenic mutation, located in coding exon 9 of the BRCA1 gene, results from a duplication of T at nucleotide position 2952, causing a translational frameshift with a predicted alternate stop codon. This alteration (designated as 3071insT) was detected in 1/989 unrelated individuals from a cohort of German breast/ovarian cancer families (Meindl A et al. Int. J. Cancer 2002 Feb;97:472-80). In addition to the clinical data presented in the literature, this alteration is expected to result in loss of function by premature protein truncation or nonsense-mediated mRNA decay. As such, this alteration is interpreted as a disease-causing mutation.

Consortium of Investigators of Modifiers of BRCA1/2 (CIMBA), c/o University of Cambridge
Classification: Pathogenic for Breast-ovarian cancer, familial, susceptibility to, 1. Last evaluated: 2015-10-02. Review status: criteria provided, single submitter. Criteria: CIMBA Mutation Classification guidelines May 2016. Collection method: clinical testing. Allele origin: germline. Not counted in ClinVar's aggregate classification.

Literature cited by the submitters: PubMed 20104584 (cited by Labcorp Genetics (formerly Invitae), Labcorp); PubMed 11802209 (cited by Labcorp Genetics (formerly Invitae), Labcorp and Ambry Genetics).

NM_007294.4(BRCA1):c.2952dup (p.Pro985fs)

Gene: BRCA1 (BRCA1 DNA repair associated; minus strand). Cytogenetic location: 17q21.31.
Variant type: Duplication.
Coding change: c.2952dup on transcript NM_007294.4 (MANE Select); coding-DNA position 2952, one base duplicated (T; older notation c.2952dupT).
Protein change: p.Pro985fs; shifts the reading frame from proline 985.
Molecular consequence: frameshift variant. On other transcripts: intron variant (137).
Genome position (GRCh38, 1-based): chr17:43,092,579, A duplicated on the plus strand (T on the coding strand, the reverse complement: BRCA1 is on the minus strand); the first of 5 consecutive A bases (chr17:43,092,579-43,092,583); duplicating any one gives the same sequence. VCF-style (leftmost placement, unchanged base first): chr17-43092578-G-GA. GRCh37 (hg19) VCF-style: chr17-41244595-G-GA.
Other names: 3071_3072insT; c.2952dupT (NM_007294.3); c.2742dup, p.Pro915fs (NM_001407908.1, NM_001407909.1, NM_001407910.1 and 13 more transcripts); c.2739dup, p.Pro914fs (NM_001407915.1, NM_001407916.1, NM_001407917.1 and 9 more transcripts); c.2829dup, p.Pro944fs (NM_001407919.1, NM_001407937.1, NM_001407938.1 and 19 more transcripts); c.2688dup, p.Pro897fs (NM_001407920.1, NM_001407921.1, NM_001407922.1 and 9 more transcripts); c.2685dup, p.Pro896fs (NM_001407930.1, NM_001407931.1, NM_001407932.1 and 2 more transcripts); c.2826dup, p.Pro943fs (NM_001407940.1, NM_001407941.1, NM_001407649.1 and 11 more transcripts); and 43 more; short protein forms P938fs, P985fs, P874fs, P918fs, P937fs, P944fs, P982fs, P817fs.
Identifiers: ClinVar variation 54730 (VCV000054730.19), dbSNP rs80357627, ClinGen allele CA327847.